The following is an entry in ClinVar:

NM_001378418.1(TCF20):c.4115G>A (p.Ser1372Asn)

Gene: TCF20 (transcription factor 20; minus strand). Cytogenetic location: 22q13.2.
Variant type: single nucleotide variant.
Coding change: c.4115G>A on transcript NM_001378418.1 (MANE Select); coding-DNA position 4115, G replaced by A.
Protein change: p.Ser1372Asn; replaces serine 1372 with asparagine.
Molecular consequence: missense variant.
Genome position (GRCh38, 1-based): chr22:42,211,191, C>T on the plus strand (G>A on the coding strand, the complement: TCF20 is on the minus strand). VCF-style: chr22-42211191-C-T. GRCh37 (hg19) VCF-style: chr22-42607197-C-T.
Other names: c.4115G>A, p.Ser1372Asn (NM_005650.4, NM_181492.3); short protein forms S1372N.
Identifiers: ClinVar variation 930483 (VCV000930483.3), dbSNP rs371868789, ClinGen allele CA324698698.

ClinVar aggregate classification (germline): Uncertain significance (1 of 4 stars; one submission).

Conditions:
Developmental delay with variable intellectual impairment and behavioral abnormalities. Identifiers: MedGen C5193092, MONDO:0032745, OMIM 618430.

Allele frequency attached by ClinVar (database versions not stated): TOPMed 0.00001; gnomAD exomes 0.00002; ESP Exome Variant Server 0.00008.
gnomAD v4.1: 17 of 1,614,080 alleles (0.0011%); highest among the groups gnomAD compares: Admixed American, 0.0017%; no homozygotes.

Submission:

Centre for Mendelian Genomics, University Medical Centre Ljubljana
Classification: Uncertain significance for Developmental delay with variable intellectual impairment and behavioral abnormalities. Last evaluated: 2019-10-01. Review status: criteria provided, single submitter. Criteria: ACMG Guidelines, 2015. Collection method: clinical testing. Allele origin: unknown. Affected: yes.
Comment: This variant was classified as: Uncertain significance. The available evidence on this variant's pathogenicity is insufficient or conflicting. The following ACMG criteria were applied in classifying this variant: PP3,BS2.